The following is an entry in ClinVar:

ClinVar aggregate classification (germline): Uncertain significance (1 of 4 stars; one submission).

Conditions:
Farber lipogranulomatosis (FRBRL). Also called: AC DEFICIENCY; ACID CERAMIDASE DEFICIENCY; CERAMIDASE DEFICIENCY; N-LAURYLSPHINGOSINE DEACYLASE DEFICIENCY; Farber's lipogranulomatosis; Farber's disease. Identifiers: Orphanet 333, MedGen C0268255, MONDO:0009218, OMIM 228000.

Submission:

Medical Affairs, Dicerna Pharmaceuticals
Classification: Uncertain significance for Farber lipogranulomatosis. Last evaluated: 2019-06-18. Review status: criteria provided, single submitter. Criteria: ACMG Guidelines, 2015. Collection method: literature only. Allele origin: unknown. Inheritance: Autosomal recessive inheritance. Affected: yes. Observed: 1 variant allele.
Comment: Variant of uncertain significance is appropriate for variant, H23D (c.67C>G), because this variant was identified in homozygous formation from the fibroblasts isolated from a patient diagnosed with Farber disease. There is no further clinical description or functional characterization of this variant.

Literature cited by the submitters: DOI 10.1006/mgme.2000.3029.

NM_177924.5(ASAH1):c.67C>G (p.His23Asp)

Gene: ASAH1 (N-acylsphingosine amidohydrolase 1; minus strand). Cytogenetic location: 8p22.
Variant type: single nucleotide variant.
Coding change: c.67C>G on transcript NM_177924.5 (MANE Select); coding-DNA position 67, C replaced by G.
Protein change: p.His23Asp; replaces histidine 23 with aspartic acid.
Molecular consequence: missense variant. On other transcripts: intron variant (2).
Genome position (GRCh38, 1-based): chr8:18,083,992, G>C on the plus strand (C>G on the coding strand, the complement: ASAH1 is on the minus strand). VCF-style: chr8-18083992-G-C. GRCh37 (hg19) VCF-style: chr8-17941501-G-C.
Other names: c.126+684C>G (NM_004315.6, NM_001127505.3); short protein forms H23D.
Identifiers: ClinVar variation 812476 (VCV000812476.1), dbSNP rs1359437059, ClinGen allele CA370435721.